The following is an entry in ClinVar:

ClinVar aggregate classification (germline): Likely benign (1 of 4 stars; one submission).

Allele frequency attached by ClinVar (database versions not stated): TOPMed 0.00341; ESP Exome Variant Server 0.00346; 1000 Genomes Project 30x 0.00422; 1000 Genomes Project 0.00439.
gnomAD v4.1: 843 of 1,596,882 alleles (0.053%); highest among the groups gnomAD compares: African/African-American, 1%; 6 homozygotes.

Submission:

CeGaT Center for Human Genetics Tuebingen
Classification: Likely benign. Last evaluated: 2023-10-01. Review status: criteria provided, single submitter. Criteria: CeGaT Center For Human Genetics Tuebingen Variant Classification Criteria Version 2. Collection method: clinical testing. Allele origin: germline. Affected: yes. Observed: 1 variant allele.
Comment: HNRNPA1: BS1

NM_031157.4(HNRNPA1):c.676+35C>G

Gene: HNRNPA1 (heterogeneous nuclear ribonucleoprotein A1; plus strand). Cytogenetic location: 12q13.13.
Variant type: single nucleotide variant.
Coding change: c.676+35C>G on transcript NM_031157.4 (MANE Select); 35 bases into the intron after coding-DNA position 676, C replaced by G.
Molecular consequence: intron variant.
Genome position (GRCh38, 1-based): chr12:54,282,700, C>G. VCF-style: chr12-54282700-C-G. GRCh37 (hg19) VCF-style: chr12-54676484-C-G.
Other names: c.676+35C>G (NM_002136.4).
Identifiers: ClinVar variation 2643054 (VCV002643054.24), dbSNP rs187988364, ClinGen allele CA6606292.